The following is an entry in ClinVar:

ClinVar aggregate classification (germline): Uncertain significance. Review status: criteria provided, multiple submitters, no conflicts (2 of 4 stars). 9 submissions from 9 submitters: Uncertain significance (5). 4 of the submissions do not count toward it. Last evaluated 2026-01-27.

Conditions:
VPS13B-related disorder. Also called: VPS13B-related condition.
Cohen syndrome (COH1). Also called: Cutis verticis gyrata, retinitis pigmentosa, and sensorineural deafness; PEPPER SYNDROME. Identifiers: Orphanet 193, MedGen C0265223, MONDO:0008999, OMIM 216550.

Submissions (9):

PreventionGenetics, part of Exact Sciences
Classification: Uncertain significance for VPS13B-related condition. Last evaluated: 2026-01-27. Review status: criteria provided, single submitter. Criteria: ACMG Guidelines, 2015. Collection method: clinical testing. Allele origin: germline.
Comment: The VPS13B c.11967_11970dupTAAA variant is predicted to result in premature protein termination (p.Ala3991*). To our knowledge, this variant has not been reported in the literature. This variant is reported in 0.016% of alleles in individuals of East Asian descent in gnomAD. While nonsense variants in VPS13B are expected to be pathogenic, this variant is located in the terminal exon and is not predicted to cause nonsense mediated decay of the transcript. At this time, the clinical significance of this variant is uncertain due to the absence of conclusive functional and genetic evidence.

Blueprint Genetics
Classification: Uncertain significance. Last evaluated: 2023-09-22. Review status: criteria provided, single submitter. Criteria: ACMG Guidelines, 2015. Collection method: clinical testing. Allele origin: germline.

Women's Health and Genetics/Laboratory Corporation of America, LabCorp
Classification: Uncertain significance. Last evaluated: 2023-02-20. Review status: criteria provided, single submitter. Criteria: LabCorp Variant Classification Summary - May 2015. Collection method: clinical testing. Allele origin: germline.
Comment: Variant summary: VPS13B c.12042_12045dupTAAA (p.Ala4016X) results in a premature termination codon, predicted to cause a truncation of the encoded protein, removing the last 7 amino acids. Truncations downstream of this position are cited in ClinVar as uncertain significance. The variant allele was found at a frequency of 2.4e-05 in 251448 control chromosomes (gnomAD). The available data on variant occurrences in the general population are insufficient to allow any conclusion about variant significance. To our knowledge, no occurrence of c.12042_12045dupTAAA in individuals affected with Cohen Syndrome and no experimental evidence demonstrating its impact on protein function have been reported. Four clinical diagnostic laboratories have submitted clinical-significance assessments for this variant to ClinVar after 2014 and classified the variant as uncertain significance. Based on the evidence outlined above, the variant was classified as uncertain significance.

Labcorp Genetics (formerly Invitae), Labcorp
Classification: Uncertain significance for Cohen syndrome. Last evaluated: 2022-10-13. Review status: criteria provided, single submitter. Criteria: Invitae Variant Classification Sherloc (09022015). Collection method: clinical testing. Allele origin: germline.
Comment: This sequence change creates a premature translational stop signal (p.Ala4016*) in the VPS13B gene. While this is not anticipated to result in nonsense mediated decay, it is expected to disrupt the last 7 amino acid(s) of the VPS13B protein. This variant is present in population databases (rs769983613, gnomAD 0.02%). This variant has not been reported in the literature in individuals affected with VPS13B-related conditions. ClinVar contains an entry for this variant (Variation ID: 555840). Experimental studies and prediction algorithms are not available or were not evaluated, and the functional significance of this variant is currently unknown. In summary, the available evidence is currently insufficient to determine the role of this variant in disease. Therefore, it has been classified as a Variant of Uncertain Significance.

Fulgent Genetics
Classification: Uncertain significance for Cohen syndrome. Last evaluated: 2021-11-22. Review status: criteria provided, single submitter. Criteria: ACMG Guidelines, 2015. Collection method: clinical testing. Allele origin: unknown.

Natera, Inc.
Classification: Uncertain significance for Cohen syndrome. Last evaluated: 2020-03-23. Review status: no assertion criteria provided. Collection method: clinical testing. Allele origin: germline. Not counted in ClinVar's aggregate classification.

Counsyl
Classification: Uncertain significance for Cohen syndrome. Last evaluated: 2017-12-28. Review status: no assertion criteria provided. Collection method: clinical testing. Allele origin: unknown. Not counted in ClinVar's aggregate classification.

Clinical Genetics DNA and cytogenetics Diagnostics Lab, Erasmus MC, Erasmus Medical Center
Classification: Uncertain significance. Review status: no assertion criteria provided. Collection method: clinical testing. Allele origin: germline. Affected: yes. Study: VKGL Data-share Consensus. Not counted in ClinVar's aggregate classification.

Laboratory of Diagnostic Genome Analysis, Leiden University Medical Center (LUMC)
Classification: Uncertain significance. Review status: no assertion criteria provided. Collection method: clinical testing. Allele origin: germline. Affected: yes. Study: VKGL Data-share Consensus. Not counted in ClinVar's aggregate classification.

NM_152564.5(VPS13B):c.11967_11970dup (p.Ala3991Ter)

Gene: VPS13B (vacuolar protein sorting 13 homolog B; plus strand). Cytogenetic location: 8q22.2.
Variant type: Duplication.
Coding change: c.11967_11970dup on transcript NM_152564.5 (MANE Select); coding-DNA positions 11967 to 11970, 4 bases duplicated (TAAA; older notation c.11967_11970dupTAAA).
Protein change: p.Ala3991Ter; replaces alanine 3991 with a stop codon.
Molecular consequence: nonsense.
Genome position (GRCh38, 1-based): chr8:99,875,639-99,875,642, TAAA duplicated; duplicating any 4 consecutive bases within chr8:99,875,636-99,875,642 gives the same sequence; the c. name uses the placement nearest the transcript's 3' end. VCF-style (leftmost placement, unchanged base first): chr8-99875635-A-AAAAT. GRCh37 (hg19) VCF-style: chr8-100887863-A-AAAAT.
Other names: c.11967_11970dupTAAA (NM_152564.4); c.12042_12045dup, p.Ala4016Ter (NM_017890.5); c.12042_12045dup (NM_017890.4); c.12042_12045dupTAAA (NM_017890.4); short protein forms A3991*, A4016*.
Identifiers: ClinVar variation 555840 (VCV000555840.15), dbSNP rs769983613, ClinGen allele CA4825382.